The following is an entry in ClinVar:

NM_001287491.2(TET3):c.3161G>C (p.Arg1054Pro)

Gene: TET3 (tet methylcytosine dioxygenase 3; plus strand). Cytogenetic location: 2p13.1.
Variant type: single nucleotide variant.
Coding change: c.3161G>C on transcript NM_001287491.2 (MANE Select); coding-DNA position 3161, G replaced by C.
Protein change: p.Arg1054Pro; replaces arginine 1054 with proline.
Molecular consequence: missense variant.
Genome position (GRCh38, 1-based): chr2:74,093,560, G>C. VCF-style: chr2-74093560-G-C. GRCh37 (hg19) VCF-style: chr2-74320687-G-C.
Other names: c.2882G>C, p.Arg961Pro (NM_001366022.1); short protein forms R1054P, R961P.
Identifiers: ClinVar variation 3898994 (VCV003898994.1).

ClinVar aggregate classification (germline): Uncertain significance (1 of 4 stars; one submission).

Submission:

GeneDx
Classification: Uncertain significance. Last evaluated: 2024-11-07. Review status: criteria provided, single submitter. Criteria: GeneDx Variant Classification Process June 2021. Collection method: clinical testing. Allele origin: germline. Affected: yes.
Comment: Not observed at significant frequency in large population cohorts (gnomAD); In silico analysis supports that this missense variant has a deleterious effect on protein structure/function; Has not been previously published as pathogenic or benign to our knowledge